The following is an entry in ClinVar:

NM_014975.3(MAST1):c.1224G>A (p.Gln408=)

Gene: MAST1 (microtubule associated serine/threonine kinase 1; plus strand). Cytogenetic location: 19p13.13.
Variant type: single nucleotide variant.
Coding change: c.1224G>A on transcript NM_014975.3 (MANE Select); coding-DNA position 1224, G replaced by A.
Protein change: p.Gln408=; no amino-acid change (glutamine 408 retained).
Molecular consequence: synonymous variant.
Genome position (GRCh38, 1-based): chr19:12,858,597, G>A. VCF-style: chr19-12858597-G-A. GRCh37 (hg19) VCF-style: chr19-12969411-G-A.
Other names: c.1224G>A (NM_014975.2).
Identifiers: ClinVar variation 2059471 (VCV002059471.14), dbSNP rs143426948, ClinGen allele CA9232850.

ClinVar aggregate classification (germline): Benign/Likely benign. Review status: criteria provided, multiple submitters, no conflicts (2 of 4 stars). 3 submissions from 3 submitters: Benign (1); Likely benign (1). 1 of the submissions does not count toward it. Last evaluated 2026-03-01.

Conditions:
MAST1-related disorder. Also called: MAST1-related condition.

Allele frequency attached by ClinVar (database versions not stated): gnomAD exomes 0.00017; ExAC 0.00054; gnomAD 0.00165; ESP Exome Variant Server 0.00185; TOPMed 0.00203; 1000 Genomes Project 30x 0.00312; 1000 Genomes Project 0.00359.
gnomAD v4.1: 527 of 1,614,264 alleles (0.033%); highest among the groups gnomAD compares: African/African-American, 0.56%; 1 homozygote.

Submissions (3):

CeGaT Center for Human Genetics Tuebingen
Classification: Likely benign. Last evaluated: 2026-03-01. Review status: criteria provided, single submitter. Criteria: CeGaT Center For Human Genetics Tuebingen Variant Classification Criteria Version 2. Collection method: clinical testing. Allele origin: germline. Affected: yes. Observed: 2 variant alleles.
Comment: MAST1: BP4, BS1

Labcorp Genetics (formerly Invitae), Labcorp
Classification: Benign. Last evaluated: 2025-12-22. Review status: criteria provided, single submitter. Criteria: Invitae Variant Classification Sherloc (09022015). Collection method: clinical testing. Allele origin: germline.

PreventionGenetics, part of Exact Sciences
Classification: Benign for MAST1-related condition. Last evaluated: 2019-08-20. Review status: no assertion criteria provided. Collection method: clinical testing. Allele origin: germline. Not counted in ClinVar's aggregate classification.
Comment: This variant is classified as benign based on ACMG/AMP sequence variant interpretation guidelines (Richards et al. 2015 PMID: 25741868, with internal and published modifications).